The following is an entry in ClinVar:

ClinVar aggregate classification (germline): Uncertain significance. Review status: criteria provided, multiple submitters, no conflicts (2 of 4 stars). 2 submissions from 2 submitters: Uncertain significance (2). Last evaluated 2024-11-06.

Conditions:
Hereditary nonpolyposis colorectal neoplasms. Identifiers: MedGen C0009405, MeSH D003123.
Hereditary cancer-predisposing syndrome. Also called: Tumor predisposition; Hereditary Cancer Syndrome; Hereditary neoplastic syndrome; Neoplastic Syndromes, Hereditary. Identifiers: Orphanet 140162, MedGen C0027672, MeSH D009386, MONDO:0015356.

Submissions (2):

Labcorp Genetics (formerly Invitae), Labcorp
Classification: Uncertain significance for Hereditary nonpolyposis colorectal neoplasms. Last evaluated: 2024-11-06. Review status: criteria provided, single submitter. Criteria: Invitae Variant Classification Sherloc (09022015). Collection method: clinical testing. Allele origin: germline.
Comment: This sequence change replaces aspartic acid, which is acidic and polar, with histidine, which is basic and polar, at codon 797 of the MSH6 protein (p.Asp797His). This variant is not present in population databases (gnomAD no frequency). This variant has not been reported in the literature in individuals affected with MSH6-related conditions. ClinVar contains an entry for this variant (Variation ID: 2587329). Invitae Evidence Modeling of protein sequence and biophysical properties (such as structural, functional, and spatial information, amino acid conservation, physicochemical variation, residue mobility, and thermodynamic stability) indicates that this missense variant is not expected to disrupt MSH6 protein function with a negative predictive value of 95%. In summary, the available evidence is currently insufficient to determine the role of this variant in disease. Therefore, it has been classified as a Variant of Uncertain Significance.

Ambry Genetics
Classification: Uncertain significance for Hereditary cancer-predisposing syndrome. Last evaluated: 2023-07-04. Review status: criteria provided, single submitter. Criteria: Ambry Variant Classification Scheme 2023. Collection method: clinical testing. Allele origin: germline.
Comment: The p.D797H variant (also known as c.2389G>C), located in coding exon 4 of the MSH6 gene, results from a G to C substitution at nucleotide position 2389. The aspartic acid at codon 797 is replaced by histidine, an amino acid with similar properties. This amino acid position is conserved. In addition, this alteration is predicted to be deleterious by in silico analysis. Since supporting evidence is limited at this time, the clinical significance of this alteration remains unclear.

NM_000179.3(MSH6):c.2389G>C (p.Asp797His)

Gene: MSH6 (mutS homolog 6; plus strand). Cytogenetic location: 2p16.3.
Variant type: single nucleotide variant.
Coding change: c.2389G>C on transcript NM_000179.3 (MANE Select); coding-DNA position 2389, G replaced by C.
Protein change: p.Asp797His; replaces aspartic acid 797 with histidine.
Molecular consequence: missense variant. On other transcripts: non-coding transcript variant (5), intron variant (3).
Genome position (GRCh38, 1-based): chr2:47,800,372, G>C. VCF-style: chr2-47800372-G-C. GRCh37 (hg19) VCF-style: chr2-48027511-G-C.
Other names: c.1999G>C, p.Asp667His (NM_001281492.2); c.1483G>C, p.Asp495His (NM_001281493.2, NM_001281494.2, NM_001406811.1 and 6 more transcripts); c.2485G>C, p.Asp829His (NM_001406795.1, NM_001406802.1); c.2389G>C, p.Asp797His (NM_001406796.1, NM_001406798.1, NM_001406800.1 and 2 more transcripts); c.2092G>C, p.Asp698His (NM_001406797.1, NM_001406801.1, NM_001406805.1 and 10 more transcripts); c.1864G>C, p.Asp622His (NM_001406799.1, NM_001406806.1, NM_001406807.1); c.2311G>C, p.Asp771His (NM_001406804.1); c.2395G>C, p.Asp799His (NM_001406813.1); and 4 more; short protein forms D622H, D667H, D771H, D829H, D495H, D698H, D741H, D797H.
Identifiers: ClinVar variation 2587329 (VCV002587329.4), dbSNP rs2104404139, ClinGen allele CA346753815.